The following is an entry in ClinVar:

ClinVar aggregate classification (germline): Likely benign (0 of 4 stars; one submission).

Conditions:
SBF2-related disorder. Also called: SBF2-related condition.

Allele frequency attached by ClinVar (database versions not stated): TOPMed below 0.00001; ExAC 0.00002; gnomAD 0.00002.
gnomAD v4.1: 18 of 1,611,014 alleles (0.0011%); highest among the groups gnomAD compares: Middle Eastern, 0.067%; 1 homozygote.

Submission:

PreventionGenetics, part of Exact Sciences
Classification: Likely benign for SBF2-related condition. Last evaluated: 2022-06-15. Review status: no assertion criteria provided. Collection method: clinical testing. Allele origin: germline.
Comment: This variant is classified as likely benign based on ACMG/AMP sequence variant interpretation guidelines (Richards et al. 2015 PMID: 25741868, with internal and published modifications).

NM_030962.4(SBF2):c.5231+22G>A

Genes: SBF2 (SET binding factor 2; minus strand), SBF2-AS1 (SBF2 antisense RNA 1; plus strand), LOC105369149 (uncharacterized LOC105369149; plus strand). Cytogenetic location: 11p15.4.
Variant type: single nucleotide variant.
Coding change: c.5231+22G>A on transcript NM_030962.4 (MANE Select); 22 bases into the intron after coding-DNA position 5231, G replaced by A.
Molecular consequence: intron variant.
Genome position (GRCh38, 1-based): chr11:9,785,103, C>T on the plus strand (G>A on the coding strand, the complement: SBF2 is on the minus strand). VCF-style: chr11-9785103-C-T. GRCh37 (hg19) VCF-style: chr11-9806650-C-T.
Other names: c.5267+22G>A (NM_001424318.1); c.5102+22G>A (NM_001386342.1); c.5327+22G>A (NM_001386339.1).
Identifiers: ClinVar variation 3055182 (VCV003055182.2), dbSNP rs770857631, ClinGen allele CA5880766.